The following is an entry in ClinVar:

NM_001360016.2(G6PD):c.283_285del (p.Lys95del)

Gene: G6PD (glucose-6-phosphate dehydrogenase; minus strand). Cytogenetic location: Xq28.
Variant type: Deletion.
Coding change: c.283_285del on transcript NM_001360016.2 (MANE Select); coding-DNA positions 283 to 285, 3 bases deleted (AAG; older notation c.283_285delAAG).
Protein change: p.Lys95del; deletes lysine 95.
Molecular consequence: inframe deletion.
Genome position (GRCh38, 1-based): chrX:154,535,368-154,535,370, CTT deleted on the plus strand (AAG on the coding strand, the reverse complement: G6PD is on the minus strand); deleting any 3 consecutive bases within chrX:154,535,368-154,535,372 gives the same sequence; the c. name uses the placement nearest the transcript's 3' end. VCF-style (leftmost placement, unchanged base first): chrX-154535367-GCTT-G. GRCh37 (hg19) VCF-style: chrX-153763582-GCTT-G.
Other names: G6PD Urayasu; c.373_375del, p.Lys125del (NM_000402.4); c.283_285del, p.Lys95del (NM_001042351.3); short protein forms K125del, K95del.
Identifiers: ClinVar variation 1722653 (VCV001722653.2), dbSNP rs2523271379, ClinGen allele CA2580101760.

ClinVar aggregate classification (germline): Pathogenic (1 of 4 stars; one submission).

Conditions:
Anemia, nonspherocytic hemolytic, due to G6PD deficiency (CNSHA1). Also called: Hemolytic anemia due to G6PD deficiency; Class I glucose-6-phosphate dehydrogenase deficiency; Favism, susceptibility to; ANEMIA, CONGENITAL, NONSPHEROCYTIC HEMOLYTIC, 1. Identifiers: Orphanet 466026, MedGen C2720289, MONDO:0010480, OMIM 300908.

Submission:

Dunham Lab, University of Washington
Classification: Pathogenic for Anemia, nonspherocytic hemolytic, due to G6PD deficiency. Last evaluated: 2022-08-12. Review status: criteria provided, single submitter. Criteria: Bayesian ACMG Guidelines, 2018. Collection method: curation. Allele origin: de novo. Affected: yes.
Comment: Decreased activity in red blood cells (6%). Leads to deletion of one amoni acid (PM4). Not found in gnomAD (PM2). Post_P 0.997 (odds of pathogenicity 3158, Prior_P 0.1).

Literature cited by the submitters: PubMed 7849299.